The following is an entry in ClinVar:

ClinVar aggregate classification (germline): Uncertain significance. Review status: criteria provided, multiple submitters, no conflicts (2 of 4 stars). 3 submissions from 3 submitters: Uncertain significance (3). Last evaluated 2026-04-22.

Conditions:
ATL3-related disorder. Also called: ATL3-related condition.
Neuropathy, hereditary sensory, type 1F. Also called: Hereditary sensory neuropathy type IF; HSN IF. Identifiers: Orphanet 36386, MedGen C3810194, MONDO:0014286, OMIM 615632.
Inborn genetic diseases. Identifiers: MedGen C0950123, MeSH D030342.

Allele frequency attached by ClinVar (database versions not stated): ExAC 0.00001; gnomAD exomes 0.00001; TOPMed 0.00002; gnomAD 0.00004; 1000 Genomes Project 0.00020; 1000 Genomes Project 30x 0.00031.
gnomAD v4.1: 24 of 1,610,186 alleles (0.0015%); highest among the groups gnomAD compares: African/African-American, 0.0093%; no homozygotes.

Submissions (3):

PreventionGenetics, part of Exact Sciences
Classification: Uncertain significance for ATL3-related condition. Last evaluated: 2026-04-22. Review status: criteria provided, single submitter. Criteria: ACMG Guidelines, 2015. Collection method: clinical testing. Allele origin: germline.
Comment: The ATL3 c.305C>T variant is predicted to result in the amino acid substitution p.Pro102Leu. To our knowledge, this variant has not been reported in the literature. This variant is reported in 0.012% of alleles in individuals of African descent in gnomAD. At this time, the clinical significance of this variant is uncertain due to the absence of conclusive functional and genetic evidence.

Ambry Genetics
Classification: Uncertain significance for Inborn genetic diseases. Last evaluated: 2025-10-22. Review status: criteria provided, single submitter. Criteria: Ambry Variant Classification Scheme 2023. Collection method: clinical testing. Allele origin: germline.

Labcorp Genetics (formerly Invitae), Labcorp
Classification: Uncertain significance for Neuropathy, hereditary sensory, type 1F. Last evaluated: 2023-12-24. Review status: criteria provided, single submitter. Criteria: Invitae Variant Classification Sherloc (09022015). Collection method: clinical testing. Allele origin: germline.
Comment: This sequence change replaces proline, which is neutral and non-polar, with leucine, which is neutral and non-polar, at codon 102 of the ATL3 protein (p.Pro102Leu). This variant is present in population databases (rs574217792, gnomAD 0.01%). This variant has not been reported in the literature in individuals affected with ATL3-related conditions. ClinVar contains an entry for this variant (Variation ID: 1391353). Advanced modeling of protein sequence and biophysical properties (such as structural, functional, and spatial information, amino acid conservation, physicochemical variation, residue mobility, and thermodynamic stability) performed at Invitae indicates that this missense variant is not expected to disrupt ATL3 protein function with a negative predictive value of 80%. In summary, the available evidence is currently insufficient to determine the role of this variant in disease. Therefore, it has been classified as a Variant of Uncertain Significance.

NM_015459.5(ATL3):c.305C>T (p.Pro102Leu)

Genes: ATL3 (atlastin GTPase 3; minus strand), LNCROPM (lncRNA regulator of PLAAT3 mediated phospholipid metabolism; plus strand). Cytogenetic location: 11q13.1.
Variant type: single nucleotide variant.
Coding change: c.305C>T on transcript NM_015459.5 (MANE Select); coding-DNA position 305, C replaced by T.
Protein change: p.Pro102Leu; replaces proline 102 with leucine.
Molecular consequence: missense variant.
Genome position (GRCh38, 1-based): chr11:63,658,861, G>A on the plus strand (C>T on the coding strand, the complement: ATL3 is on the minus strand). VCF-style: chr11-63658861-G-A. GRCh37 (hg19) VCF-style: chr11-63426333-G-A.
Other names: c.305C>T (NM_015459.4, NM_015459.3); c.251C>T, p.Pro84Leu (NM_001290048.2); short protein forms P102L, P84L.
Identifiers: ClinVar variation 1391353 (VCV001391353.9), dbSNP rs574217792, ClinGen allele CA6063827.